The following is an entry in ClinVar:

ClinVar aggregate classification (germline): Uncertain significance (1 of 4 stars; one submission).

Allele frequency attached by ClinVar (database versions not stated): ExAC 0.00001; gnomAD exomes 0.00001; TOPMed 0.00001; gnomAD 0.00002.
gnomAD v4.1: 20 of 1,613,862 alleles (0.0012%); highest among the groups gnomAD compares: Non-Finnish European, 0.0014%; no homozygotes.

Submission:

Labcorp Genetics (formerly Invitae), Labcorp
Classification: Uncertain significance. Last evaluated: 2021-09-16. Review status: criteria provided, single submitter. Criteria: Invitae Variant Classification Sherloc (09022015). Collection method: clinical testing. Allele origin: germline.
Comment: This sequence change replaces isoleucine with leucine at codon 258 of the PCLO protein (p.Ile258Leu). The isoleucine residue is weakly conserved and there is a small physicochemical difference between isoleucine and leucine. This variant is present in population databases (rs750340676, ExAC 0.001%). This variant has not been reported in the literature in individuals affected with PCLO-related conditions. Algorithms developed to predict the effect of missense changes on protein structure and function are either unavailable or do not agree on the potential impact of this missense change (SIFT: "Tolerated"; PolyPhen-2: "Not Available"; Align-GVGD: "Class C0"). In summary, the available evidence is currently insufficient to determine the role of this variant in disease. Therefore, it has been classified as a Variant of Uncertain Significance.

NM_033026.6(PCLO):c.772A>C (p.Ile258Leu)

Gene: PCLO (piccolo presynaptic cytomatrix protein; minus strand). Cytogenetic location: 7q21.11.
Variant type: single nucleotide variant.
Coding change: c.772A>C on transcript NM_033026.6 (MANE Select); coding-DNA position 772, A replaced by C.
Protein change: p.Ile258Leu; replaces isoleucine 258 with leucine.
Molecular consequence: missense variant.
Genome position (GRCh38, 1-based): chr7:83,155,869, T>G on the plus strand (A>C on the coding strand, the complement: PCLO is on the minus strand). VCF-style: chr7-83155869-T-G. GRCh37 (hg19) VCF-style: chr7-82785185-T-G.
Other names: c.772A>C, p.Ile258Leu (NM_014510.3); short protein forms I258L.
Identifiers: ClinVar variation 1424646 (VCV001424646.3), dbSNP rs750340676, ClinGen allele CA4321605.
Genomic context (GRCh38, chr7:83,155,869, plus strand): 5'-CATCTCGTTGAAGTGGCAATTTTGCATGGTCTGTCTGAGGAGTCTGGGTAGGACCCTGAA[T>G]TGGCTTTCCTGTACCTGGAGGTTGTGATTTAATTTTTTCTGGTTGTTGAGAAGATATTGA-3'
Protein context (NP_149015.2, residues 248-268): KSQPPGTGKP[Ile258Leu]QGPTQTPQTD